The following is an entry in ClinVar:

NM_000433.4(NCF2):c.1569_1573del (p.Arg524fs)

Gene: NCF2 (neutrophil cytosolic factor 2; minus strand). Cytogenetic location: 1q25.3.
Variant type: Deletion.
Coding change: c.1569_1573del on transcript NM_000433.4 (MANE Select); coding-DNA positions 1569 to 1573, 5 bases deleted (GAGAG; older notation c.1569_1573delGAGAG).
Protein change: p.Arg524fs; shifts the reading frame from arginine 524.
Molecular consequence: frameshift variant.
Genome position (GRCh38, 1-based): chr1:183,556,126-183,556,130, CTCTC deleted on the plus strand (GAGAG on the coding strand, the reverse complement: NCF2 is on the minus strand); deleting any 5 consecutive bases within chr1:183,556,126-183,556,131 gives the same sequence; the c. name uses the placement nearest the transcript's 3' end. VCF-style (leftmost placement, unchanged base first): chr1-183556125-TCTCTC-T. GRCh37 (hg19) VCF-style: chr1-183525260-TCTCTC-T.
Other names: c.1569_1573del, p.Arg524fs (NM_001127651.3); c.1326_1330del, p.Arg443fs (NM_001190789.2); c.1434_1438del, p.Arg479fs (NM_001190794.2); short protein forms R443fs, R479fs, R524fs.
Identifiers: ClinVar variation 1478709 (VCV001478709.3), dbSNP rs2102867375, ClinGen allele CA2573131317.

ClinVar aggregate classification (germline): Uncertain significance (1 of 4 stars; one submission).

Conditions:
Granulomatous disease, chronic, autosomal recessive, cytochrome b-positive, type 2. Also called: GRANULOMATOUS DISEASE, CHRONIC, AUTOSOMAL RECESSIVE, 2; Chronic granulomatous disease due to deficiency of NCF-2; Chronic Granulomatous Disease, Autosomal Recessive, Cytochrome b-Positive, Type II; GRANULOMATOUS DISEASE, CHRONIC, DUE TO NCF2 DEFICIENCY; CGD, AUTOSOMAL RECESSIVE CYTOCHROME b-POSITIVE, TYPE II. Identifiers: Orphanet 379, MedGen C1856245, MONDO:0009310, OMIM 233710.

Submission:

Labcorp Genetics (formerly Invitae), Labcorp
Classification: Uncertain significance for Granulomatous disease, chronic, autosomal recessive, cytochrome b-positive, type 2. Last evaluated: 2022-07-31. Review status: criteria provided, single submitter. Criteria: Invitae Variant Classification Sherloc (09022015). Collection method: clinical testing. Allele origin: germline.
Comment: This sequence change results in a frameshift in the NCF2 gene (p.Arg524Serfs*23). While this is not anticipated to result in nonsense mediated decay, it is expected to disrupt the last 3 amino acid(s) of the NCF2 protein and extend the protein by 19 additional amino acid residues. This variant is not present in population databases (gnomAD no frequency). This variant has not been reported in the literature in individuals affected with NCF2-related conditions. ClinVar contains an entry for this variant (Variation ID: 1478709). Experimental studies and prediction algorithms are not available or were not evaluated, and the functional significance of this variant is currently unknown. In summary, the available evidence is currently insufficient to determine the role of this variant in disease. Therefore, it has been classified as a Variant of Uncertain Significance.